The following is an entry in ClinVar:

NM_032634.4(PIGO):c.946G>A (p.Glu316Lys)

Gene: PIGO (phosphatidylinositol glycan anchor biosynthesis class O; minus strand). Cytogenetic location: 9p13.3.
Variant type: single nucleotide variant.
Coding change: c.946G>A on transcript NM_032634.4 (MANE Select); coding-DNA position 946, G replaced by A.
Protein change: p.Glu316Lys; replaces glutamic acid 316 with lysine.
Molecular consequence: missense variant.
Genome position (GRCh38, 1-based): chr9:35,093,203, C>T on the plus strand (G>A on the coding strand, the complement: PIGO is on the minus strand). VCF-style: chr9-35093203-C-T. GRCh37 (hg19) VCF-style: chr9-35093200-C-T.
Other names: c.946G>A, p.Glu316Lys (NM_001201484.2, NM_152850.4); short protein forms E316K.
Identifiers: ClinVar variation 473238 (VCV000473238.11), dbSNP rs377198873, ClinGen allele CA5040756.
Genomic context (GRCh38, chr9:35,093,203, plus strand): 5'-GGATGGGCAGGCCCAGCAGCAGGGCCAGCGTGGGCACAAGGCTAACTTGAGGAATCACCT[C>T]TGGCTCCTAAAGGAAAATGACAGTGGTCAACAGATTCATCACAAAGCTGAAGTCAATGTT-3'
Protein context (NP_116023.2, residues 306-326): VFPSTPPEEP[Glu316Lys]VIPQVSLVPT

ClinVar aggregate classification (germline): Uncertain significance (1 of 4 stars; one submission).

Conditions:
Hyperphosphatasia with impaired intellectual development syndrome 2. Also called: GLYCOSYLPHOSPHATIDYLINOSITOL BIOSYNTHESIS DEFECT 6; Hyperphosphatasia with intellectual disability syndrome 2. Identifiers: Orphanet 247262, MedGen C3553637, MONDO:0013882, OMIM 614749.

Allele frequency attached by ClinVar (database versions not stated): TOPMed 0.00001; ESP Exome Variant Server 0.00008; ExAC 0.00001.

Submission:

Labcorp Genetics (formerly Invitae), Labcorp
Classification: Uncertain significance for Hyperphosphatasia with impaired intellectual development syndrome 2. Last evaluated: 2025-03-10. Review status: criteria provided, single submitter. Criteria: Invitae Variant Classification Sherloc (09022015). Collection method: clinical testing. Allele origin: germline.
Comment: This sequence change replaces glutamic acid, which is acidic and polar, with lysine, which is basic and polar, at codon 316 of the PIGO protein (p.Glu316Lys). This variant is present in population databases (rs377198873, gnomAD no frequency). This variant has not been reported in the literature in individuals affected with PIGO-related conditions. ClinVar contains an entry for this variant (Variation ID: 473238). Invitae Evidence Modeling of protein sequence and biophysical properties (such as structural, functional, and spatial information, amino acid conservation, physicochemical variation, residue mobility, and thermodynamic stability) indicates that this missense variant is not expected to disrupt PIGO protein function with a negative predictive value of 80%. In summary, the available evidence is currently insufficient to determine the role of this variant in disease. Therefore, it has been classified as a Variant of Uncertain Significance.